The following is an entry in ClinVar:

NM_012330.4(KAT6B):c.1A>G (p.Met1Val)

Gene: KAT6B (lysine acetyltransferase 6B; plus strand). Cytogenetic location: 10q22.2.
Variant type: single nucleotide variant.
Coding change: c.1A>G on transcript NM_012330.4 (MANE Select); coding-DNA position 1, A replaced by G.
Protein change: p.Met1Val; changes the start codon (methionine 1).
Molecular consequence: missense variant, initiator codon variant. On other transcripts: 5 prime UTR variant (2).
Genome position (GRCh38, 1-based): chr10:74,842,858, A>G. VCF-style: chr10-74842858-A-G. GRCh37 (hg19) VCF-style: chr10-76602616-A-G.
Other names: c.1A>G, p.Met1Val (NM_001256468.2, NM_001256469.2, NM_001370132.1 and 10 more transcripts); c.-538A>G (NM_001370134.1, NM_001370135.1); short protein forms M1V.
Identifiers: ClinVar variation 1708059 (VCV001708059.2), dbSNP rs2548332680, ClinGen allele CA377399057.

ClinVar aggregate classification (germline): Likely pathogenic (1 of 4 stars; one submission).

Conditions:
Blepharophimosis - intellectual disability syndrome, SBBYS type (SBBYSS). Also called: Say-Barber-Biesecker variant of Ohdo syndrome (SBBYSS); Say-Barber-Biesecker-Young-Simpson syndrome; Say-Barber-Biesecker-Young-Simpson variant of Ohdo Syndrome; Say-Barber-Biesecker Variant of Ohdo Syndrome; Ohdo syndrome, SBBYS variant; SBBYSS syndrome. Identifiers: Orphanet 3047, MedGen C1863557, MONDO:0011365, OMIM 603736.

Submission:

Laboratory of Medical Genetics, National & Kapodistrian University of Athens
Classification: Likely pathogenic for Blepharophimosis - intellectual disability syndrome, SBBYS type. Last evaluated: 2022-07-12. Review status: criteria provided, single submitter. Criteria: ACMG Guidelines, 2015. Collection method: clinical testing. Allele origin: de novo. Affected: yes.
Comment: PVS1, PM2